The following is an entry in ClinVar:

NM_001677.4(ATP1B1):c.781G>A (p.Val261Ile)

Gene: ATP1B1 (ATPase Na+/K+ transporting subunit beta 1; plus strand). Cytogenetic location: 1q24.2.
Variant type: single nucleotide variant.
Coding change: c.781G>A on transcript NM_001677.4 (MANE Select); coding-DNA position 781, G replaced by A.
Protein change: p.Val261Ile; replaces valine 261 with isoleucine.
Molecular consequence: missense variant.
Genome position (GRCh38, 1-based): chr1:169,131,424, G>A. VCF-style: chr1-169131424-G-A. GRCh37 (hg19) VCF-style: chr1-169100662-G-A.
Other names: short protein forms V261I.
Identifiers: ClinVar variation 928642 (VCV000928642.2), dbSNP rs772382642, ClinGen allele CA1231632.
Genomic context (GRCh38, chr1:169,131,424, plus strand): 5'-CAGTATTATCCGTACTATGGCAAACTCCTGCAGCCCAAATACCTGCAGCCCCTGCTGGCC[G>A]TACAGTTCACCAATCTTACCATGGACACTGAAATTCGCATAGAGTGTAAGGCGTACGGTG-3'
Protein context (NP_001668.1, residues 251-271): QPKYLQPLLA[Val261Ile]QFTNLTMDTE

ClinVar aggregate classification (germline): Uncertain significance. Review status: criteria provided, multiple submitters, no conflicts (2 of 4 stars). 2 submissions from 2 submitters: Uncertain significance (2). Last evaluated 2025-05-03.

Allele frequency attached by ClinVar (database versions not stated): gnomAD 0.00006 and 0.00005; TOPMed 0.00004.

Submissions (2):

Ambry Genetics
Classification: Uncertain significance. Last evaluated: 2025-05-03. Review status: criteria provided, single submitter. Criteria: Ambry Variant Classification Scheme 2023. Collection method: clinical testing. Allele origin: germline.

Women's Health and Genetics/Laboratory Corporation of America, LabCorp
Classification: Uncertain significance. Last evaluated: 2019-11-18. Review status: criteria provided, single submitter. Criteria: LabCorp Variant Classification Summary - May 2015. Collection method: clinical testing. Allele origin: germline.
Comment: Variant summary: ATP1B1 c.781G>A (p.Val261Ile) results in a conservative amino acid change in the encoded protein sequence. Four of five in-silico tools predict a benign effect of the variant on protein function. The variant allele was found at a frequency of 3.2e-05 in 251434 control chromosomes. The available data on variant occurrences in the general population are insufficient to allow any conclusion about variant significance. To our knowledge, no occurrence of c.781G>A in individuals affected with Arrhythmia and no experimental evidence demonstrating its impact on protein function have been reported. No clinical diagnostic laboratories have submitted clinical-significance assessments for this variant to ClinVar after 2014. Based on the evidence outlined above, the variant was classified as uncertain significance.